The following is an entry in ClinVar:

ClinVar aggregate classification (germline): Conflicting classifications of pathogenicity. Review status: criteria provided, conflicting classifications (1 of 4 stars). 2 submissions from 2 submitters: Uncertain significance (1); Benign (1). Last evaluated 2025-05-13.

Conditions:
Adams-Oliver syndrome 5 (AOS5). Identifiers: Orphanet 974, MedGen C4014970, MONDO:0014459, OMIM 616028.
Familial thoracic aortic aneurysm and aortic dissection (TAAD). Also called: Thoracic aortic aneurysms and dissections. Identifiers: Orphanet 91387, MedGen C4707243, MONDO:0019625.

Allele frequency attached by ClinVar (database versions not stated): ExAC 0.00002; gnomAD 0.00002; gnomAD exomes 0.00002 and 0.00003; TOPMed 0.00002.
gnomAD v4.1: 52 of 1,610,812 alleles (0.0032%); highest among the groups gnomAD compares: Non-Finnish European, 0.004%; no homozygotes.

Submissions (2):

Labcorp Genetics (formerly Invitae), Labcorp
Classification: Benign for Adams-Oliver syndrome 5. Last evaluated: 2025-05-13. Review status: criteria provided, single submitter. Criteria: Invitae Variant Classification Sherloc (09022015). Collection method: clinical testing. Allele origin: germline.

Ambry Genetics
Classification: Uncertain significance for Familial thoracic aortic aneurysm and aortic dissection. Last evaluated: 2023-02-07. Review status: criteria provided, single submitter. Criteria: Ambry Variant Classification Scheme 2023. Collection method: clinical testing. Allele origin: germline.
Comment: The p.A2077T variant (also known as c.6229G>A), located in coding exon 34 of the NOTCH1 gene, results from a G to A substitution at nucleotide position 6229. The alanine at codon 2077 is replaced by threonine, an amino acid with similar properties. This amino acid position is highly conserved in available vertebrate species. In addition, the in silico prediction for this alteration is inconclusive. Since supporting evidence is limited at this time, the clinical significance of this alteration remains unclear.

NM_017617.5(NOTCH1):c.6229G>A (p.Ala2077Thr)

Gene: NOTCH1 (notch receptor 1; minus strand). Cytogenetic location: 9q34.3.
Variant type: single nucleotide variant.
Coding change: c.6229G>A on transcript NM_017617.5 (MANE Select); coding-DNA position 6229, G replaced by A.
Protein change: p.Ala2077Thr; replaces alanine 2077 with threonine.
Molecular consequence: missense variant.
Genome position (GRCh38, 1-based): chr9:136,497,510, C>T on the plus strand (G>A on the coding strand, the complement: NOTCH1 is on the minus strand). VCF-style: chr9-136497510-C-T. GRCh37 (hg19) VCF-style: chr9-139391962-C-T.
Other names: c.6229G>A, p.Ala2077Thr (LRG_1122t1); short protein forms A2077T.
Identifiers: ClinVar variation 576914 (VCV000576914.11), dbSNP rs759749364, ClinGen allele CA5339961.